The following is an entry in ClinVar:

ClinVar aggregate classification (germline): Uncertain significance (1 of 4 stars; one submission).

Conditions:
Spermatogenic failure 18. Identifiers: MedGen C4539783, MONDO:0054615, OMIM 617576.
Ciliary dyskinesia, primary, 37 (CILD37). Also called: CILIARY DYSKINESIA, PRIMARY, 37, WITH OR WITHOUT SITUS INVERSUS. Identifiers: MedGen C4539798, MONDO:0033204, OMIM 617577.

Allele frequency attached by ClinVar (database versions not stated): gnomAD exomes 0.00003; gnomAD 0.00004; TOPMed 0.00005; ExAC 0.00007.
gnomAD v4.1: 31 of 1,601,918 alleles (0.0019%); highest among the groups gnomAD compares: African/African-American, 0.008%; no homozygotes.

Submission:

Labcorp Genetics (formerly Invitae), Labcorp
Classification: Uncertain significance for Ciliary dyskinesia, primary, 37; Spermatogenic failure 18. Last evaluated: 2022-08-09. Review status: criteria provided, single submitter. Criteria: Invitae Variant Classification Sherloc (09022015). Collection method: clinical testing. Allele origin: germline.
Comment: This sequence change replaces arginine, which is basic and polar, with tryptophan, which is neutral and slightly polar, at codon 3057 of the DNAH1 protein (p.Arg3057Trp). The frequency data for this variant in the population databases is considered unreliable, as metrics indicate poor data quality at this position in the gnomAD database. This variant has not been reported in the literature in individuals affected with DNAH1-related conditions. ClinVar contains an entry for this variant (Variation ID: 1024096). Algorithms developed to predict the effect of missense changes on protein structure and function are either unavailable or do not agree on the potential impact of this missense change (SIFT: "Deleterious"; PolyPhen-2: "Probably Damaging"; Align-GVGD: "Class C0"). Algorithms developed to predict the effect of sequence changes on RNA splicing suggest that this variant may create or strengthen a splice site. In summary, the available evidence is currently insufficient to determine the role of this variant in disease. Therefore, it has been classified as a Variant of Uncertain Significance.

NM_015512.5(DNAH1):c.9169C>T (p.Arg3057Trp)

Gene: DNAH1 (dynein axonemal heavy chain 1; plus strand). Cytogenetic location: 3p21.1.
Variant type: single nucleotide variant.
Coding change: c.9169C>T on transcript NM_015512.5 (MANE Select); coding-DNA position 9169, C replaced by T.
Protein change: p.Arg3057Trp; replaces arginine 3057 with tryptophan.
Molecular consequence: missense variant.
Genome position (GRCh38, 1-based): chr3:52,388,332, C>T. VCF-style: chr3-52388332-C-T. GRCh37 (hg19) VCF-style: chr3-52422348-C-T.
Other names: short protein forms R3057W.
Identifiers: ClinVar variation 1024096 (VCV001024096.2), dbSNP rs200576671, ClinGen allele CA2435395.
Genomic context (GRCh38, chr3:52,388,332, plus strand): 5'-TGCCAGTGGGTGCGCGCCATGCACAAGTACCACTTTGTGGCCAAGGCCGTGGAGCCCAAG[C>T]GGGTGAGGGCTGAGTGGAGCTGGTGGGGGAGGGCTCCCCTCCCGGGGGTACTTGGCGAGC-3'
Protein context (NP_056327.4, residues 3047-3067): HFVAKAVEPK[Arg3057Trp]QALLEAQDDL